The following is an entry in ClinVar:

NM_022369.4(STRA6):c.387C>A (p.Leu129=)

Gene: STRA6 (signaling receptor and transporter of retinol STRA6; minus strand). Cytogenetic location: 15q24.1.
Variant type: single nucleotide variant.
Coding change: c.387C>A on transcript NM_022369.4 (MANE Select); coding-DNA position 387, C replaced by A.
Protein change: p.Leu129=; no amino-acid change (leucine 129 retained).
Molecular consequence: synonymous variant.
Genome position (GRCh38, 1-based): chr15:74,196,027, G>T on the plus strand (C>A on the coding strand, the complement: STRA6 is on the minus strand). VCF-style: chr15-74196027-G-T. GRCh37 (hg19) VCF-style: chr15-74488368-G-T.
Other names: c.387C>A, p.Leu129= (NM_001142617.2, NM_001142618.2, NM_001142620.2); c.360C>A, p.Leu120= (NM_001142619.2); c.498C>A, p.Leu166= (NM_001199040.2); c.432C>A, p.Leu144= (NM_001199041.2); c.504C>A, p.Leu168= (NM_001199042.2).
Identifiers: ClinVar variation 737530 (VCV000737530.8), dbSNP rs150860532, ClinGen allele CA7655014.

ClinVar aggregate classification (germline): Conflicting classifications of pathogenicity. Review status: criteria provided, conflicting classifications (1 of 4 stars). 3 submissions from 3 submitters: Uncertain significance (1); Likely benign (2). Last evaluated 2025-06-30.

Conditions:
STRA6-related disorder. Also called: STRA6-related condition.
Microphthalmia, syndromic 9. Also called: Matthew-Wood syndrome; PULMONARY AGENESIS, MICROPHTHALMIA, AND DIAPHRAGMATIC DEFECT; SPEAR SYNDROME; ANOPHTHALMIA, CLINICAL, WITH MILD FACIAL DYSMORPHISM AND VARIABLE MALFORMATIONS OF THE LUNG, HEART, AND DIAPHRAGM; ANOPHTHALMIA/MICROPHTHALMIA AND PULMONARY HYPOPLASIA. Identifiers: Orphanet 2470, MedGen C1832661, MONDO:0011010, OMIM 601186.

Allele frequency attached by ClinVar (database versions not stated): gnomAD 0.00006; TOPMed 0.00015.

Submissions (3):

PreventionGenetics, part of Exact Sciences
Classification: Likely benign for STRA6-related condition. Last evaluated: 2025-06-30. Review status: criteria provided, single submitter. Criteria: ACMG Guidelines, 2015. Collection method: clinical testing. Allele origin: germline.
Comment: This variant is classified as likely benign based on ACMG/AMP sequence variant interpretation guidelines (Richards et al. 2015 PMID: 25741868, with internal and published modifications).

Labcorp Genetics (formerly Invitae), Labcorp
Classification: Likely benign. Last evaluated: 2018-03-29. Review status: criteria provided, single submitter. Criteria: Invitae Variant Classification Sherloc (09022015). Collection method: clinical testing. Allele origin: germline.

Illumina Laboratory Services, Illumina
Classification: Uncertain significance for Microphthalmia, syndromic 9. Last evaluated: 2018-01-12. Review status: criteria provided, single submitter. Criteria: ICSL Variant Classification Criteria 13 December 2019. Collection method: clinical testing. Allele origin: germline.